The following is an entry in ClinVar:

NM_021020.5(LZTS1):c.1388T>C (p.Leu463Pro)

Gene: LZTS1 (leucine zipper tumor suppressor 1; minus strand). Cytogenetic location: 8p21.3.
Variant type: single nucleotide variant.
Coding change: c.1388T>C on transcript NM_021020.5 (MANE Select); coding-DNA position 1388, T replaced by C.
Protein change: p.Leu463Pro; replaces leucine 463 with proline.
Molecular consequence: missense variant.
Genome position (GRCh38, 1-based): chr8:20,250,125, A>G on the plus strand (T>C on the coding strand, the complement: LZTS1 is on the minus strand). VCF-style: chr8-20250125-A-G. GRCh37 (hg19) VCF-style: chr8-20107636-A-G.
Other names: c.1388T>C, p.Leu463Pro (NM_001362884.2); short protein forms L463P.
Identifiers: ClinVar variation 3006945 (VCV003006945.3), dbSNP rs2486298168, ClinGen allele CA370476242.
Genomic context (GRCh38, chr8:20,250,125, plus strand): 5'-GCGGCCTGGGCCCGCAGCTCCTGCAGCTCCTGCTCCAGCAGGTTCACCTTCTCCCGCAGC[A>G]GCTCCGCCTCGTTCTTCTTGCGCTGCAGCTCATTCTCACAGACCTCCAGCTCCAGGCCCT-3'
Protein context (NP_066300.1, residues 453-473): ELQRKKNEAE[Leu463Pro]LREKVNLLEQ

ClinVar aggregate classification (germline): Uncertain significance (1 of 4 stars; one submission).

Allele frequency attached by ClinVar (database versions not stated): gnomAD exomes below 0.00001.
gnomAD v4.1: 4 of 1,607,672 alleles (0.00025%); highest among the groups gnomAD compares: South Asian, 0.0011%; no homozygotes.

Submission:

Labcorp Genetics (formerly Invitae), Labcorp
Classification: Uncertain significance. Last evaluated: 2024-01-20. Review status: criteria provided, single submitter. Criteria: Invitae Variant Classification Sherloc (09022015). Collection method: clinical testing. Allele origin: germline.
Comment: This sequence change replaces leucine, which is neutral and non-polar, with proline, which is neutral and non-polar, at codon 463 of the LZTS1 protein (p.Leu463Pro). This variant is not present in population databases (gnomAD no frequency). This variant has not been reported in the literature in individuals affected with LZTS1-related conditions. Advanced modeling of protein sequence and biophysical properties (such as structural, functional, and spatial information, amino acid conservation, physicochemical variation, residue mobility, and thermodynamic stability) performed at Invitae indicates that this missense variant is not expected to disrupt LZTS1 protein function with a negative predictive value of 80%. In summary, the available evidence is currently insufficient to determine the role of this variant in disease. Therefore, it has been classified as a Variant of Uncertain Significance.